The following is an entry in ClinVar:

NM_001113378.2(FANCI):c.3676A>T (p.Thr1226Ser)

Gene: FANCI (FA complementation group I; plus strand). Cytogenetic location: 15q26.1.
Variant type: single nucleotide variant.
Coding change: c.3676A>T on transcript NM_001113378.2 (MANE Select); coding-DNA position 3676, A replaced by T.
Protein change: p.Thr1226Ser; replaces threonine 1226 with serine.
Molecular consequence: missense variant.
Genome position (GRCh38, 1-based): chr15:89,312,928, A>T. VCF-style: chr15-89312928-A-T. GRCh37 (hg19) VCF-style: chr15-89856159-A-T.
Other names: c.3397A>T, p.Thr1133Ser (NM_001376910.1); c.3676A>T, p.Thr1226Ser (NM_001376911.1); c.3496A>T, p.Thr1166Ser (NM_018193.3); short protein forms T1166S, T1133S, T1226S.
Identifiers: ClinVar variation 2048883 (VCV002048883.4), dbSNP rs2508878478, ClinGen allele CA393742733.
Genomic context (GRCh38, chr15:89,312,928, plus strand): 5'-CATCAGGAATAAGAGAATGTGTTTCTATTTCTTTAGAATAAGAGTAAGAGCCTGAACTAT[A>T]CGGGAGAGAAAAAGGAGAAACCTGCTGCCGTTGCCACAGCCATGGTAAGCTGCTGACACT-3'
Protein context (NP_001106849.1, residues 1216-1236): VQNKSKSLNY[Thr1226Ser]GEKKEKPAAV

ClinVar aggregate classification (germline): Uncertain significance (1 of 4 stars; one submission).

Conditions:
Fanconi anemia (FA). Also called: Fanconi's anemia. Identifiers: Orphanet 84, MedGen C0015625, MeSH D005199, MONDO:0019391.

Submission:

Labcorp Genetics (formerly Invitae), Labcorp
Classification: Uncertain significance for Fanconi anemia. Last evaluated: 2021-12-08. Review status: criteria provided, single submitter. Criteria: Invitae Variant Classification Sherloc (09022015). Collection method: clinical testing. Allele origin: germline.
Comment: In summary, the available evidence is currently insufficient to determine the role of this variant in disease. Therefore, it has been classified as a Variant of Uncertain Significance. This sequence change replaces threonine, which is neutral and polar, with serine, which is neutral and polar, at codon 1226 of the FANCI protein (p.Thr1226Ser). This variant is not present in population databases (gnomAD no frequency). This variant has not been reported in the literature in individuals affected with FANCI-related conditions. Algorithms developed to predict the effect of missense changes on protein structure and function output the following: SIFT: "Tolerated"; PolyPhen-2: "Benign"; Align-GVGD: "Class C0". The serine amino acid residue is found in multiple mammalian species, which suggests that this missense change does not adversely affect protein function.